The following is an entry in ClinVar:

ClinVar aggregate classification (germline): Likely pathogenic (1 of 4 stars; one submission).

Conditions:
Congenital myasthenic syndrome 2A. Also called: Myasthenic syndrome, congenital, 2a, slow-channel. Identifiers: Orphanet 590, MedGen C4225374, MONDO:0014581, OMIM 616313.

gnomAD v4.1: 2 of 1,614,184 alleles (0.00012%); highest among the groups gnomAD compares: Non-Finnish European, 0.00017%; no homozygotes.

Submission:

Labcorp Genetics (formerly Invitae), Labcorp
Classification: Likely pathogenic for Congenital myasthenic syndrome 2A. Last evaluated: 2024-10-23. Review status: criteria provided, single submitter. Criteria: Invitae Variant Classification Sherloc (09022015). Collection method: clinical testing. Allele origin: germline.
Comment: This sequence change affects a donor splice site in intron 6 of the CHRNB1 gene. It is expected to disrupt RNA splicing. Variants that disrupt the donor or acceptor splice site typically lead to a loss of protein function (PMID: 16199547), and loss-of-function variants in CHRNB1 are known to be pathogenic (PMID: 10562302). This variant is not present in population databases (gnomAD no frequency). This variant has not been reported in the literature in individuals affected with CHRNB1-related conditions. Algorithms developed to predict the effect of sequence changes on RNA splicing suggest that this variant may disrupt the consensus splice site. In summary, the currently available evidence indicates that the variant is pathogenic, but additional data are needed to prove that conclusively. Therefore, this variant has been classified as Likely Pathogenic.

Literature cited by the submitters: PubMed 16199547; PubMed 10562302.

NM_000747.3(CHRNB1):c.610+1G>A

Gene: CHRNB1 (cholinergic receptor nicotinic beta 1 subunit; plus strand). Cytogenetic location: 17p13.1.
Variant type: single nucleotide variant.
Coding change: c.610+1G>A on transcript NM_000747.3 (MANE Select); the canonical splice donor site of the intron after coding-DNA position 610, G replaced by A.
Molecular consequence: splice donor variant.
Genome position (GRCh38, 1-based): chr17:7,447,651, G>A. VCF-style: chr17-7447651-G-A. GRCh37 (hg19) VCF-style: chr17-7350970-G-A.
Identifiers: ClinVar variation 3715131 (VCV003715131.2).
Genomic context (GRCh38, chr17:7,447,651, plus strand): 5'-GCCTGGGTCCTGACGGGCAAGGGCATCAGGAAATCCACATTCATGAAGGGACTTTCATTG[G>A]TGAGTAGGCATGGCTCCTACATCCATGGGCTCTATCATTTCCAGCTTCTAACAGACTCAT-3'